The following is an entry in ClinVar:

ClinVar aggregate classification (germline): Likely pathogenic. Review status: criteria provided, multiple submitters, no conflicts (2 of 4 stars). 2 submissions from 2 submitters: Likely pathogenic (2). Last evaluated 2025-04-19.

Conditions:
SPATA7-related disorder. Also called: SPATA7-related condition; SPATA7-related disorders. Identifiers: MedGen CN239422.
Leber congenital amaurosis (LCA). Also called: Leber's amaurosis. Identifiers: Orphanet 65, MedGen C0339527, MeSH D057130, MONDO:0018998.

Submissions (2):

PreventionGenetics, part of Exact Sciences
Classification: Likely pathogenic for SPATA7-related condition. Last evaluated: 2025-04-19. Review status: criteria provided, single submitter. Criteria: ACMG Guidelines, 2015. Collection method: clinical testing. Allele origin: germline.
Comment: The SPATA7 c.293_294delAA variant is predicted to result in a frameshift and premature protein termination (p.Lys98Argfs*6). To our knowledge, this variant has not been reported in the literature or in a large population database (gnomAD), indicating this variant is rare. Frameshift variants in SPATA7 are expected to be pathogenic. This variant is interpreted as likely pathogenic.

Women's Health and Genetics/Laboratory Corporation of America, LabCorp
Classification: Likely pathogenic for Leber congenital amaurosis. Last evaluated: 2023-02-07. Review status: criteria provided, single submitter. Criteria: LabCorp Variant Classification Summary - May 2015. Collection method: clinical testing. Allele origin: germline.
Comment: Variant summary: SPATA7 c.293_294delAA (p.Lys98ArgfsX6) results in a premature termination codon, predicted to cause a truncation of the encoded protein or absence of the protein due to nonsense mediated decay, which are commonly known mechanisms for disease. Truncations downstream of this position have been have been reported in individuals affected with Leber congenital amaurosis (HGMD). The variant was absent in 250800 control chromosomes (gnomAD). To our knowledge, no occurrence of c.293_294delAA in individuals affected with Leber Congenital Amaurosis and no experimental evidence demonstrating its impact on protein function have been reported. No submitters have provided clinical-significance assessments for this variant to ClinVar after 2014. Based on the evidence outlined above, the variant was classified as likely pathogenic.

NM_018418.5(SPATA7):c.293_294del (p.Lys98fs)

Gene: SPATA7 (spermatogenesis associated 7; plus strand). Cytogenetic location: 14q31.3.
Variant type: Deletion.
Coding change: c.293_294del on transcript NM_018418.5 (MANE Select); coding-DNA positions 293 to 294, 2 bases deleted (AA; older notation c.293_294delAA).
Protein change: p.Lys98fs; shifts the reading frame from lysine 98.
Molecular consequence: frameshift variant.
Genome position (GRCh38, 1-based): chr14:88,416,765-88,416,766, AA deleted; deleting any 2 consecutive bases within chr14:88,416,762-88,416,766 gives the same sequence; the c. name uses the placement nearest the transcript's 3' end. VCF-style (leftmost placement, unchanged base first): chr14-88416761-GAA-G. GRCh37 (hg19) VCF-style: chr14-88883105-GAA-G.
Other names: c.197_198del, p.Lys66fs (NM_001040428.4); c.293_294delAA (NM_018418.4); short protein forms K66fs, K98fs.
Identifiers: ClinVar variation 2445747 (VCV002445747.2), dbSNP rs2076489265, ClinGen allele CA2580088874.
Genomic context (GRCh38, chr14:88,416,761, plus strand): 5'-TCCCTTTTAGATGCAGACCAACAACGAAGAGAGAAACTCAAAAAGGAATTAGCACAATGT[GAA>G]AAAGAGTTCAAATTAACTAAAACTGCAATGCGAGCCAATTATAAAAATAATTCCAAGTCA-3'